The following is an entry in ClinVar:

ClinVar aggregate classification (germline): Conflicting classifications of pathogenicity. Review status: criteria provided, conflicting classifications (1 of 4 stars). 2 submissions from 2 submitters: Uncertain significance (1); Likely benign (1). Last evaluated 2025-09-01.

Conditions:
Joubert syndrome 23 (JBTS23). Identifiers: Orphanet 475, MedGen C4084822, MONDO:0014664, OMIM 616490.
Short-rib thoracic dysplasia 14 with polydactyly (SRTD14). Identifiers: Orphanet 397715, MedGen C4225286, MONDO:0014688, OMIM 616546.
Inborn genetic diseases. Identifiers: MedGen C0950123, MeSH D030342.

Allele frequency attached by ClinVar (database versions not stated): gnomAD 0.00001 and 0.00002; ExAC 0.00002; 1000 Genomes Project 30x 0.00016; 1000 Genomes Project 0.00020.
gnomAD v4.1: 17 of 1,565,828 alleles (0.0011%); highest among the groups gnomAD compares: Middle Eastern, 0.017%; no homozygotes.

Submissions (2):

Ambry Genetics
Classification: Likely benign for Inborn genetic diseases. Last evaluated: 2025-09-01. Review status: criteria provided, single submitter. Criteria: Ambry Variant Classification Scheme 2023. Collection method: clinical testing. Allele origin: germline.

Labcorp Genetics (formerly Invitae), Labcorp
Classification: Uncertain significance for Joubert syndrome 23; Short-rib thoracic dysplasia 14 with polydactyly. Last evaluated: 2022-03-20. Review status: criteria provided, single submitter. Criteria: Invitae Variant Classification Sherloc (09022015). Collection method: clinical testing. Allele origin: germline.
Comment: In summary, the available evidence is currently insufficient to determine the role of this variant in disease. Therefore, it has been classified as a Variant of Uncertain Significance. Algorithms developed to predict the effect of missense changes on protein structure and function output the following: SIFT: "Tolerated"; PolyPhen-2: "Benign"; Align-GVGD: "Class C0". The glutamine amino acid residue is found in multiple mammalian species, which suggests that this missense change does not adversely affect protein function. This variant has not been reported in the literature in individuals affected with KIAA0586-related conditions. The frequency data for this variant in the population databases is considered unreliable, as metrics indicate poor data quality at this position in the gnomAD database. This sequence change replaces arginine, which is basic and polar, with glutamine, which is neutral and polar, at codon 737 of the KIAA0586 protein (p.Arg737Gln).

NM_001329943.3(KIAA0586):c.2051G>A (p.Arg684Gln)

Gene: KIAA0586 (KIAA0586; plus strand). Cytogenetic location: 14q23.1.
Variant type: single nucleotide variant.
Coding change: c.2051G>A on transcript NM_001329943.3 (MANE Select); coding-DNA position 2051, G replaced by A.
Protein change: p.Arg684Gln; replaces arginine 684 with glutamine.
Molecular consequence: missense variant.
Genome position (GRCh38, 1-based): chr14:58,461,152, G>A. VCF-style: chr14-58461152-G-A. GRCh37 (hg19) VCF-style: chr14-58927870-G-A.
Other names: c.2210G>A, p.Arg737Gln (NM_001244189.2); c.2006G>A, p.Arg669Gln (NM_001244190.2); c.1796G>A, p.Arg599Gln (NM_001244191.2, NM_001329945.2, NM_001364700.1 and 1 more transcripts); c.1919G>A, p.Arg640Gln (NM_001244192.2); c.1631G>A, p.Arg544Gln (NM_001244193.2); c.2051G>A, p.Arg684Gln (NM_001329944.2, NM_001329946.2, NM_001329947.2); c.1823G>A, p.Arg608Gln (NM_014749.5); c.1823G>A (NM_014749.3); short protein forms R544Q, R684Q, R640Q, R669Q, R599Q, R608Q, R737Q.
Identifiers: ClinVar variation 1402502 (VCV001402502.7), dbSNP rs547990270, ClinGen allele CA7205761.
Genomic context (GRCh38, chr14:58,461,152, plus strand): 5'-ATCTCAGATTTAATTCTCCATCTCCTAAGTCCAGACCACAGAGACCAAAAGTAATAGAAC[G>A]AGTTAAAGGTAAGGAATCTCATTTTTAATGTTTAATCTCATTTCTTAATAGTATCAGTTT-3'
Protein context (NP_001316872.1, residues 674-694): SRPQRPKVIE[Arg684Gln]VKGTKVKSIR